The following is an entry in ClinVar:

NM_004656.4(BAP1):c.1265G>A (p.Gly422Glu)

Gene: BAP1 (BRCA1 associated deubiquitinase 1; minus strand). Cytogenetic location: 3p21.1.
Variant type: single nucleotide variant.
Coding change: c.1265G>A on transcript NM_004656.4 (MANE Select); coding-DNA position 1265, G replaced by A.
Protein change: p.Gly422Glu; replaces glycine 422 with glutamic acid.
Molecular consequence: missense variant.
Genome position (GRCh38, 1-based): chr3:52,403,880, C>T on the plus strand (G>A on the coding strand, the complement: BAP1 is on the minus strand). VCF-style: chr3-52403880-C-T. GRCh37 (hg19) VCF-style: chr3-52437896-C-T.
Other names: short protein forms G422E.
Identifiers: ClinVar variation 577867 (VCV000577867.6), dbSNP rs1559587197, ClinGen allele CA353102461.
Genomic context (GRCh38, chr3:52,403,880, plus strand): 5'-GGCTGCAGCACTGACAGTTGCCCATCAGCAGAACCGCTCAATGCCCCTGGCTTCCCTGTT[C>T]CCTTCCCCTTATACCTGTGGGGCCCGAGAAGATGTGAAGCAAGGGAACGGGCCAGGTGAC-3'
Protein context (NP_004647.1, residues 412-432): TNSALRYKGK[Gly422Glu]TGKPGALSGS

ClinVar aggregate classification (germline): Uncertain significance (1 of 4 stars; one submission).

Conditions:
BAP1-related tumor predisposition syndrome (TPDS1). Also called: Tumor susceptibility linked to germline BAP1 mutations; COMMON Syndrome; BAP1 tumor predisposition syndrome; TUMOR PREDISPOSITION SYNDROME 1. Identifiers: Orphanet 289539, MedGen C3280492, MONDO:0013692, OMIM 614327.

Submission:

Labcorp Genetics (formerly Invitae), Labcorp
Classification: Uncertain significance for BAP1-related tumor predisposition syndrome. Last evaluated: 2024-04-24. Review status: criteria provided, single submitter. Criteria: Invitae Variant Classification Sherloc (09022015). Collection method: clinical testing. Allele origin: germline.
Comment: This sequence change replaces glycine, which is neutral and non-polar, with glutamic acid, which is acidic and polar, at codon 422 of the BAP1 protein (p.Gly422Glu). This variant is not present in population databases (gnomAD no frequency). This variant has not been reported in the literature in individuals affected with BAP1-related conditions. ClinVar contains an entry for this variant (Variation ID: 577867). Advanced modeling of protein sequence and biophysical properties (such as structural, functional, and spatial information, amino acid conservation, physicochemical variation, residue mobility, and thermodynamic stability) performed at Invitae indicates that this missense variant is not expected to disrupt BAP1 protein function with a negative predictive value of 80%. In summary, the available evidence is currently insufficient to determine the role of this variant in disease. Therefore, it has been classified as a Variant of Uncertain Significance.